The following is an entry in ClinVar:

NM_000053.4(ATP7B):c.4071G>A (p.Ala1357=)

Gene: ATP7B (ATPase copper transporting beta; minus strand). Cytogenetic location: 13q14.3.
Variant type: single nucleotide variant.
Coding change: c.4071G>A on transcript NM_000053.4 (MANE Select); coding-DNA position 4071, G replaced by A.
Protein change: p.Ala1357=; no amino-acid change (alanine 1357 retained).
Molecular consequence: synonymous variant.
Genome position (GRCh38, 1-based): chr13:51,935,646, C>T on the plus strand (G>A on the coding strand, the complement: ATP7B is on the minus strand). VCF-style: chr13-51935646-C-T. GRCh37 (hg19) VCF-style: chr13-52509782-C-T.
Other names: c.3450G>A, p.Ala1150= (NM_001005918.3); c.3738G>A, p.Ala1246= (NM_001243182.2); c.3837G>A, p.Ala1279= (NM_001330578.2, NM_001406527.1, NM_001406528.1); c.3819G>A, p.Ala1273= (NM_001330579.2, NM_001406531.1, NM_001406532.1); c.4071G>A, p.Ala1357= (NM_001406511.1, NM_001406512.1); c.4065G>A, p.Ala1355= (NM_001406513.1); c.4038G>A, p.Ala1346= (NM_001406514.1); c.4017G>A, p.Ala1339= (NM_001406515.1, NM_001406516.1); and 21 more.
Identifiers: ClinVar variation 2146323 (VCV002146323.5), dbSNP rs1182248514, ClinGen allele CA483892940.

ClinVar aggregate classification (germline): Likely benign. Review status: criteria provided, multiple submitters, no conflicts (2 of 4 stars). 2 submissions from 2 submitters: Likely benign (2). Last evaluated 2024-03-25.

Conditions:
Wilson disease (WND). Also called: Wilson's disease. Identifiers: Orphanet 905, MedGen C0019202, MONDO:0010200, OMIM 277900. Disease mechanism: loss of function.

Allele frequency attached by ClinVar (database versions not stated): gnomAD 0.00001; gnomAD exomes 0.00001; TOPMed 0.00002.
gnomAD v4.1: 11 of 1,613,726 alleles (0.00068%); highest among the groups gnomAD compares: Middle Eastern, 0.016%; no homozygotes.

Submissions (2):

Labcorp Genetics (formerly Invitae), Labcorp
Classification: Likely benign for Wilson disease. Last evaluated: 2024-03-25. Review status: criteria provided, single submitter. Criteria: Invitae Variant Classification Sherloc (09022015). Collection method: clinical testing. Allele origin: germline.

All of Us Research Program, National Institutes of Health
Classification: Likely benign for Wilson disease. Last evaluated: 2024-02-22. Review status: criteria provided, single submitter. Criteria: ACMG Guidelines, 2015. Collection method: clinical testing. Allele origin: germline. Inheritance: Autosomal recessive inheritance. Observed: 1 variant allele, 1 heterozygote.
Comment: This study involves interpretation of variants in research participants for the purpose of population health screening. Participant phenotype was not available at the time of variant classification. Additional details can be found in publication PMID: 35346344, PMCID: PMC8962531